The following is an entry in ClinVar:

NM_001048174.2(MUTYH):c.849+2T>A

Gene: MUTYH (mutY DNA glycosylase; minus strand). Cytogenetic location: 1p34.1.
Variant type: single nucleotide variant.
Coding change: c.849+2T>A on transcript NM_001048174.2 (MANE Select); the canonical splice donor site of the intron after coding-DNA position 849, T replaced by A.
Molecular consequence: splice donor variant.
Genome position (GRCh38, 1-based): chr1:45,332,164, A>T on the plus strand (T>A on the coding strand, the complement: MUTYH is on the minus strand). VCF-style: chr1-45332164-A-T. GRCh37 (hg19) VCF-style: chr1-45797836-A-T.
Other names: c.849+2T>A (NM_001407072.1, NM_001407073.1, NM_001048171.2 and 6 more transcripts); c.504+2T>A (NM_001350651.2, NM_001350650.2, NM_001407082.1); c.573+2T>A (NM_001293192.2, NM_001293196.2, NM_001407091.1); c.894+2T>A (NM_001293190.2); c.882+2T>A (NM_001407069.1, NM_001407077.1, NM_001293191.2); c.924+2T>A (NM_012222.3); c.933+2T>A (NM_001128425.2, NM_001128425.1); c.852+2T>A (NM_001407071.1, NM_001048172.2, NM_001407078.1 and 1 more transcripts); and 5 more.
Identifiers: ClinVar variation 2676900 (VCV002676900.2), dbSNP rs1060501333, ClinGen allele CA340134277.

ClinVar aggregate classification (germline): Likely pathogenic. Review status: criteria provided, multiple submitters, no conflicts (2 of 4 stars). 2 submissions from 2 submitters: Likely pathogenic (2). Last evaluated 2026-04-22.

Conditions:
Hereditary cancer-predisposing syndrome. Also called: Tumor predisposition; Hereditary neoplastic syndrome; Neoplastic Syndromes, Hereditary; Hereditary Cancer Syndrome. Identifiers: Orphanet 140162, MedGen C0027672, MeSH D009386, MONDO:0015356.
Familial adenomatous polyposis 2. Also called: MUTYH-associated polyposis; MUTYH-related attenuated familial adenomatous polyposis; FAP type 2; Adenomas, multiple colorectal; COLORECTAL ADENOMATOUS POLYPOSIS, AUTOSOMAL RECESSIVE; ADENOMAS, MULTIPLE COLORECTAL, AUTOSOMAL RECESSIVE. Identifiers: Orphanet 220460, Orphanet 247798, MedGen C3272841, MONDO:0012041, OMIM 608456.

Submissions (2):

Ambry Genetics
Classification: Likely pathogenic for Hereditary cancer-predisposing syndrome. Last evaluated: 2026-04-22. Review status: criteria provided, single submitter. Criteria: Ambry Variant Classification Scheme 2023. Collection method: clinical testing. Allele origin: germline.
Comment: The c.933+2T>A intronic variant results from a T to A substitution two nucleotides after coding exon 10 in the MUTYH gene. This variant is considered to be rare based on population cohorts in the Genome Aggregation Database (gnomAD). This nucleotide position is highly conserved in available vertebrate species. In silico splice site analysis predicts that this alteration will weaken the native splice donor site; however, direct evidence is insufficient at this time (Ambry internal data). Variants that disrupt the canonical splice site are expected to cause aberrant splicing, resulting in an abnormal protein or a transcript that is subject to nonsense-mediated mRNA decay. As such, this variant is classified as likely pathogenic.

Baylor Genetics
Classification: Likely pathogenic for Familial adenomatous polyposis 2. Last evaluated: 2023-04-20. Review status: criteria provided, single submitter. Criteria: ACMG Guidelines, 2015. Collection method: clinical testing. Allele origin: unknown.